The following is an entry in ClinVar:

ClinVar aggregate classification (germline): Uncertain significance (1 of 4 stars; one submission).

gnomAD v4.1: 1 of 1,607,270 alleles (0.000062%); highest among the groups gnomAD compares: Middle Eastern, 0.017%; no homozygotes.

Submission:

Labcorp Genetics (formerly Invitae), Labcorp
Classification: Uncertain significance. Last evaluated: 2024-06-03. Review status: criteria provided, single submitter. Criteria: Invitae Variant Classification Sherloc (09022015). Collection method: clinical testing. Allele origin: germline.
Comment: This sequence change falls in intron 6 of the PDE10A gene. It does not directly change the encoded amino acid sequence of the PDE10A protein. It affects a nucleotide within the consensus splice site. This variant is not present in population databases (gnomAD no frequency). This variant has not been reported in the literature in individuals affected with PDE10A-related conditions. Variants that disrupt the consensus splice site are a relatively common cause of aberrant splicing (PMID: 17576681, 9536098). Algorithms developed to predict the effect of sequence changes on RNA splicing suggest that this variant may disrupt the consensus splice site. In summary, the available evidence is currently insufficient to determine the role of this variant in disease. Therefore, it has been classified as a Variant of Uncertain Significance.

Literature cited by the submitters: PubMed 17576681; PubMed 9536098.

NM_001385079.1(PDE10A):c.1335+5G>T

Gene: PDE10A (phosphodiesterase 10A; minus strand). Cytogenetic location: 6q27.
Variant type: single nucleotide variant.
Coding change: c.1335+5G>T on transcript NM_001385079.1 (MANE Select); 5 bases into the intron after coding-DNA position 1335, G replaced by T.
Molecular consequence: intron variant.
Genome position (GRCh38, 1-based): chr6:165,435,232, C>A on the plus strand (G>T on the coding strand, the complement: PDE10A is on the minus strand). VCF-style: chr6-165435232-C-A. GRCh37 (hg19) VCF-style: chr6-165848720-C-A.
Other names: c.537+5G>T (NM_001130690.3); c.507+5G>T (NM_006661.4).
Identifiers: ClinVar variation 3689212 (VCV003689212.2).